The following is an entry in ClinVar:

NM_024926.4(IFT56):c.620T>C (p.Val207Ala)

Gene: IFT56 (intraflagellar transport 56; plus strand). Cytogenetic location: 7q34.
Variant type: single nucleotide variant.
Coding change: c.620T>C on transcript NM_024926.4 (MANE Select); coding-DNA position 620, T replaced by C.
Protein change: p.Val207Ala; replaces valine 207 with alanine.
Molecular consequence: missense variant. On other transcripts: intron variant (2).
Genome position (GRCh38, 1-based): chr7:139,148,280, T>C. VCF-style: chr7-139148280-T-C. GRCh37 (hg19) VCF-style: chr7-138833026-T-C.
Other names: c.620T>C, p.Val207Ala (NM_001144920.3, NM_001321740.2, NM_001321742.2); c.527T>C, p.Val176Ala (NM_001144923.3); c.305T>C, p.Val102Ala (NM_001287513.2); c.200T>C, p.Val67Ala (NM_001318333.2); c.399+5975T>C (NM_001321741.2, NM_001287512.2); short protein forms V102A, V176A, V67A, V207A.
Identifiers: ClinVar variation 4793496 (VCV004793496.1).

ClinVar aggregate classification (germline): Uncertain significance (1 of 4 stars; one submission).

Submission:

Labcorp Genetics (formerly Invitae), Labcorp
Classification: Uncertain significance. Last evaluated: 2024-10-24. Review status: criteria provided, single submitter. Criteria: Invitae Variant Classification Sherloc (09022015). Collection method: clinical testing. Allele origin: germline.
Comment: This sequence change replaces valine, which is neutral and non-polar, with alanine, which is neutral and non-polar, at codon 207 of the TTC26 protein (p.Val207Ala). This variant is not present in population databases (gnomAD no frequency). This variant has not been reported in the literature in individuals affected with TTC26-related conditions. Invitae Evidence Modeling of protein sequence and biophysical properties (such as structural, functional, and spatial information, amino acid conservation, physicochemical variation, residue mobility, and thermodynamic stability) has been performed for this missense variant. However, the output from this modeling did not meet the statistical confidence thresholds required to predict the impact of this variant on TTC26 protein function. In summary, the available evidence is currently insufficient to determine the role of this variant in disease. Therefore, it has been classified as a Variant of Uncertain Significance.